The following is an entry in ClinVar:

ClinVar aggregate classification (germline): Pathogenic (1 of 4 stars; one submission).

Submission:

Labcorp Genetics (formerly Invitae), Labcorp
Classification: Pathogenic. Last evaluated: 2021-10-01. Review status: criteria provided, single submitter. Criteria: Invitae Variant Classification Sherloc (09022015). Collection method: clinical testing. Allele origin: germline.
Comment: This sequence change creates a premature translational stop signal (p.Ser165*) in the COL4A5 gene. It is expected to result in an absent or disrupted protein product. Loss-of-function variants in COL4A5 are known to be pathogenic (PMID: 9195222, 10752524, 14514738, 24854265, 26809805). This variant is not present in population databases (ExAC no frequency). This variant has not been reported in the literature in individuals affected with COL4A5-related conditions. For these reasons, this variant has been classified as Pathogenic.

Literature cited by the submitters: PubMed 9195222; PubMed 10752524; PubMed 14514738; PubMed 24854265; PubMed 26809805.

NM_033380.3(COL4A5):c.494C>A (p.Ser165Ter)

Gene: COL4A5 (collagen type IV alpha 5 chain; plus strand). Cytogenetic location: Xq22.3.
Variant type: single nucleotide variant.
Coding change: c.494C>A on transcript NM_033380.3 (MANE Select); coding-DNA position 494, C replaced by A.
Protein change: p.Ser165Ter; replaces serine 165 with a stop codon.
Molecular consequence: nonsense.
Genome position (GRCh38, 1-based): chrX:108,573,602, C>A. VCF-style: chrX-108573602-C-A. GRCh37 (hg19) VCF-style: chrX-107816832-C-A.
Other names: c.494C>A, p.Ser165Ter (NM_000495.5); short protein forms S165*.
Identifiers: ClinVar variation 1424708 (VCV001424708.6), dbSNP rs2066099798, ClinGen allele CA413920863.
Genomic context (GRCh38, chrX:108,573,602, plus strand): 5'-GTCTTAGAACTTCCATTGATGGCTTCTTTTAGGGTGAACCAGGTAGTATAATTATGTCAT[C>A]ACTGCCAGGACCAAAGGGTAATCCAGGATATCCAGGTCCTCCTGGAATACAAGTAAGTAT-3'